The following is an entry in ClinVar:

NC_000006.11:g.(?_5771504)_(6182394_?)dup

Genes: F13A1 (coagulation factor XIII A chain; minus strand), FARS2 (phenylalanyl-tRNA synthetase 2, mitochondrial; plus strand), NRN1 (neuritin 1; minus strand). Cytogenetic location: 6p25.1.
Variant type: Duplication.
Identifiers: ClinVar variation 2425615 (VCV002425615.3).

ClinVar aggregate classification (germline): Uncertain significance (1 of 4 stars; one submission).

Conditions:
Combined oxidative phosphorylation defect type 14. Also called: Combined oxidative phosphorylation deficiency 14. Identifiers: Orphanet 319519, MedGen C4755312, MONDO:0013986, OMIM 614946.

Submission:

Labcorp Genetics (formerly Invitae), Labcorp
Classification: Uncertain significance for Combined oxidative phosphorylation defect type 14. Last evaluated: 2020-11-28. Review status: criteria provided, single submitter. Criteria: Invitae Variant Classification Sherloc (09022015). Collection method: clinical testing. Allele origin: germline.
Comment: This variant results in a copy number gain of the genomic region encompassing exon(s) 7 of the FARS2 gene. The 5' boundary is likely confined to intron 6. The 3' end of this event is unknown as it extends beyond the assayed region for this gene and therefore may encompass additional genes. As the precise location of this event is unknown, it may be in tandem or it may be located elsewhere in the genome. This variant has not been reported in the literature in individuals with FARS2-related conditions. In summary, the available evidence is currently insufficient to determine the role of this variant in disease. Therefore, it has been classified as a Variant of Uncertain Significance.